The following is an entry in ClinVar:

ClinVar aggregate classification (germline): Uncertain significance. Review status: criteria provided, multiple submitters, no conflicts (2 of 4 stars). 2 submissions from 2 submitters: Uncertain significance (2). Last evaluated 2024-12-14.

Conditions:
Norman-Roberts syndrome (LIS2). Also called: Lissencephaly 2 (Norman-Roberts type). Identifiers: Orphanet 89844, MedGen C0796089, MONDO:0009760, OMIM 257320.
Familial temporal lobe epilepsy 7. Identifiers: Orphanet 101046, MedGen C4225327, MONDO:0014639, OMIM 616436.
Inborn genetic diseases. Identifiers: MedGen C0950123, MeSH D030342.

Allele frequency attached by ClinVar (database versions not stated): ExAC 0.00001; gnomAD 0.00001; gnomAD exomes 0.00001; TOPMed 0.00002; ESP Exome Variant Server 0.00008.
gnomAD v4.1: 23 of 1,613,480 alleles (0.0014%); highest among the groups gnomAD compares: Non-Finnish European, 0.0019%; no homozygotes.

Submissions (2):

Ambry Genetics
Classification: Uncertain significance for Inborn genetic diseases. Last evaluated: 2024-12-14. Review status: criteria provided, single submitter. Criteria: Ambry Variant Classification Scheme 2023. Collection method: clinical testing. Allele origin: germline.

Labcorp Genetics (formerly Invitae), Labcorp
Classification: Uncertain significance for Familial temporal lobe epilepsy 7; Norman-Roberts syndrome. Last evaluated: 2022-07-16. Review status: criteria provided, single submitter. Criteria: Invitae Variant Classification Sherloc (09022015). Collection method: clinical testing. Allele origin: germline.
Comment: This variant is present in population databases (rs374189896, gnomAD 0.0009%). In summary, the available evidence is currently insufficient to determine the role of this variant in disease. Therefore, it has been classified as a Variant of Uncertain Significance. Algorithms developed to predict the effect of missense changes on protein structure and function (SIFT, PolyPhen-2, Align-GVGD) all suggest that this variant is likely to be tolerated. This variant has not been reported in the literature in individuals affected with RELN-related conditions. This sequence change replaces phenylalanine, which is neutral and non-polar, with leucine, which is neutral and non-polar, at codon 761 of the RELN protein (p.Phe761Leu).

NM_005045.4(RELN):c.2281T>C (p.Phe761Leu)

Gene: RELN (reelin; minus strand). Cytogenetic location: 7q22.1.
Variant type: single nucleotide variant.
Coding change: c.2281T>C on transcript NM_005045.4 (MANE Select); coding-DNA position 2281, T replaced by C.
Protein change: p.Phe761Leu; replaces phenylalanine 761 with leucine.
Molecular consequence: missense variant.
Genome position (GRCh38, 1-based): chr7:103,636,257, A>G on the plus strand (T>C on the coding strand, the complement: RELN is on the minus strand). VCF-style: chr7-103636257-A-G. GRCh37 (hg19) VCF-style: chr7-103276704-A-G.
Other names: c.2281T>C (NM_005045.3); c.2281T>C, p.Phe761Leu (NM_173054.3); short protein forms F761L.
Identifiers: ClinVar variation 2064798 (VCV002064798.5), dbSNP rs374189896, ClinGen allele CA4422043.
Genomic context (GRCh38, chr7:103,636,257, plus strand): 5'-TCTGGTTTTTGTATGTATTCTACCCTGCCTTCACTCACCTGGATTGTGAGCTGTCAAGGA[A>G]AGATGTAATTAGCTGACGCCGCCCATCTTTGTTGAAAACCAGGGCCTTACCACTGGCCAA-3'
Protein context (NP_005036.2, residues 751-771): KDGRRQLITS[Phe761Leu]LDSSQSRFLQ